The following is an entry in ClinVar:

ClinVar aggregate classification (germline): Uncertain significance (1 of 4 stars; one submission).

Allele frequency attached by ClinVar (database versions not stated): ExAC 0.00002; TOPMed 0.00002; gnomAD exomes 0.00002.
gnomAD v4.1: 34 of 1,602,376 alleles (0.0021%); highest among the groups gnomAD compares: East Asian, 0.054%; no homozygotes.

Submission:

Labcorp Genetics (formerly Invitae), Labcorp
Classification: Uncertain significance. Last evaluated: 2025-03-03. Review status: criteria provided, single submitter. Criteria: Invitae Variant Classification Sherloc (09022015). Collection method: clinical testing. Allele origin: germline.
Comment: This sequence change replaces serine, which is neutral and polar, with leucine, which is neutral and non-polar, at codon 125 of the TBX20 protein (p.Ser125Leu). This variant is present in population databases (rs766692577, gnomAD 0.02%). This variant has not been reported in the literature in individuals affected with TBX20-related conditions. ClinVar contains an entry for this variant (Variation ID: 1956139). Invitae Evidence Modeling of protein sequence and biophysical properties (such as structural, functional, and spatial information, amino acid conservation, physicochemical variation, residue mobility, and thermodynamic stability) indicates that this missense variant is not expected to disrupt TBX20 protein function with a negative predictive value of 80%. In summary, the available evidence is currently insufficient to determine the role of this variant in disease. Therefore, it has been classified as a Variant of Uncertain Significance.

NM_001077653.2(TBX20):c.374C>T (p.Ser125Leu)

Gene: TBX20 (T-box transcription factor 20; minus strand). Cytogenetic location: 7p14.2.
Variant type: single nucleotide variant.
Coding change: c.374C>T on transcript NM_001077653.2 (MANE Select); coding-DNA position 374, C replaced by T.
Protein change: p.Ser125Leu; replaces serine 125 with leucine.
Molecular consequence: missense variant.
Genome position (GRCh38, 1-based): chr7:35,249,957, G>A on the plus strand (C>T on the coding strand, the complement: TBX20 is on the minus strand). VCF-style: chr7-35249957-G-A. GRCh37 (hg19) VCF-style: chr7-35289569-G-A.
Other names: c.374C>T, p.Ser125Leu (NM_001166220.1); short protein forms S125L.
Identifiers: ClinVar variation 1956139 (VCV001956139.5), dbSNP rs766692577, ClinGen allele CA4217535.